The following is an entry in ClinVar:

NM_006017.3(PROM1):c.424G>C (p.Glu142Gln)

Gene: PROM1 (prominin 1; minus strand). Cytogenetic location: 4p15.32.
Variant type: single nucleotide variant.
Coding change: c.424G>C on transcript NM_006017.3 (MANE Select); coding-DNA position 424, G replaced by C.
Protein change: p.Glu142Gln; replaces glutamic acid 142 with glutamine.
Molecular consequence: missense variant.
Genome position (GRCh38, 1-based): chr4:16,033,389, C>G on the plus strand (G>C on the coding strand, the complement: PROM1 is on the minus strand). VCF-style: chr4-16033389-C-G. GRCh37 (hg19) VCF-style: chr4-16035012-C-G.
Other names: c.397G>C, p.Glu133Gln (NM_001145847.2, NM_001145848.2, NM_001145851.2 and 4 more transcripts); c.424G>C, p.Glu142Gln (NM_001145849.2, NM_001145850.2); short protein forms E133Q, E142Q.
Identifiers: ClinVar variation 3624084 (VCV003624084.3).
Genomic context (GRCh38, chr4:16,033,389, plus strand): 5'-GGGAGATTGCAAAGCATTTCCTCAGGAAGGGCCCATTTTCCTTCTGTCGCTGGTGCATTT[C>G]TCCACCACATTTGTTACAGCAACGACACATACAAAAGAAATACCCCACCAGAGGCATCAG-3'
Protein context (NP_006008.1, residues 132-152): MCRCCNKCGG[Glu142Gln]MHQRQKENGP

ClinVar aggregate classification (germline): Uncertain significance. Review status: criteria provided, multiple submitters, no conflicts (2 of 4 stars). 2 submissions from 2 submitters: Uncertain significance (2). Last evaluated 2026-01-12.

gnomAD v4.1: 26 of 1,613,772 alleles (0.0016%); highest among the groups gnomAD compares: Non-Finnish European, 0.0021%; no homozygotes.

Submissions (2):

Labcorp Genetics (formerly Invitae), Labcorp
Classification: Uncertain significance. Last evaluated: 2026-01-12. Review status: criteria provided, single submitter. Criteria: Invitae Variant Classification Sherloc (09022015). Collection method: clinical testing. Allele origin: germline.
Comment: This sequence change replaces glutamic acid, which is acidic and polar, with glutamine, which is neutral and polar, at codon 142 of the PROM1 protein (p.Glu142Gln). This variant is present in population databases (rs371124222, gnomAD 0.0009%). This variant has not been reported in the literature in individuals affected with PROM1-related conditions. ClinVar contains an entry for this variant (Variation ID: 3624084). Invitae Evidence Modeling of protein sequence and biophysical properties (such as structural, functional, and spatial information, amino acid conservation, physicochemical variation, residue mobility, and thermodynamic stability) indicates that this missense variant is expected to disrupt PROM1 protein function with a positive predictive value of 80%. In summary, the available evidence is currently insufficient to determine the role of this variant in disease. Therefore, it has been classified as a Variant of Uncertain Significance.

Blueprint Genetics
Classification: Uncertain significance. Last evaluated: 2021-08-03. Review status: criteria provided, single submitter. Criteria: ACMG Guidelines, 2015. Collection method: clinical testing. Allele origin: germline.